The following is an entry in ClinVar:

ClinVar aggregate classification (germline): Conflicting classifications of pathogenicity. Review status: criteria provided, conflicting classifications (1 of 4 stars). 3 submissions from 3 submitters: Uncertain significance (2); Likely benign (1). Last evaluated 2025-01-07.

Conditions:
BRCA2-related cancer predisposition. Identifiers: MedGen CN377758, MONDO:0700269.
Hereditary cancer-predisposing syndrome. Also called: Hereditary Cancer Syndrome; Hereditary neoplastic syndrome; Neoplastic Syndromes, Hereditary; Tumor predisposition. Identifiers: Orphanet 140162, MedGen C0027672, MeSH D009386, MONDO:0015356.

Submissions (3):

Ambry Genetics
Classification: Uncertain significance for Hereditary cancer-predisposing syndrome. Last evaluated: 2025-01-07. Review status: criteria provided, single submitter. Criteria: Ambry Variant Classification Scheme 2023. Collection method: clinical testing. Allele origin: germline.
Comment: The p.E1879Q variant (also known as c.5635G>C), located in coding exon 10 of the BRCA2 gene, results from a G to C substitution at nucleotide position 5635. The glutamic acid at codon 1879 is replaced by glutamine, an amino acid with highly similar properties. This amino acid position is not well conserved in available vertebrate species. In addition, this alteration is predicted to be tolerated by in silico analysis. Based on the available evidence, the clinical significance of this variant remains unclear.

All of Us Research Program, National Institutes of Health
Classification: Uncertain significance for BRCA2-related cancer predisposition. Last evaluated: 2024-05-14. Review status: criteria provided, single submitter. Criteria: ACMG Guidelines, 2015. Collection method: clinical testing. Allele origin: germline. Inheritance: Autosomal dominant inheritance. Observed: 1 variant allele, 1 heterozygote.
Comment: This missense variant replaces glutamic acid with glutamine at codon 1879 of the BRCA2 protein. Computational prediction suggests that this variant may not impact protein structure and function. To our knowledge, functional studies have not been reported for this variant. This variant has not been reported in individuals affected with BRCA2-related disorders in the literature. This variant has not been identified in the general population by the Genome Aggregation Database (gnomAD). The available evidence is insufficient to determine the role of this variant in disease conclusively. Therefore, this variant is classified as a Variant of Uncertain Significance.

This study involves interpretation of variants in research participants for the purpose of population health screening. Participant phenotype was not available at the time of variant classification. Additional details can be found in publication PMID: 35346344, PMCID: PMC8962531

University of Washington Department of Laboratory Medicine, University of Washington
Classification: Likely benign for Hereditary cancer-predisposing syndrome. Last evaluated: 2023-03-23. Review status: criteria provided, single submitter. Criteria: Dines et al. (Genet Med. 2020). Collection method: curation. Allele origin: germline.
Comment: Missense variant in a coldspot region where missense variants are very unlikely to be pathogenic (PMID:31911673).

BRCA2 exon 11 coldspot. Reclassification based on statistical prior probability.

NM_000059.4(BRCA2):c.5635G>C (p.Glu1879Gln)

Gene: BRCA2 (BRCA2 DNA repair associated; plus strand). Cytogenetic location: 13q13.1.
Variant type: single nucleotide variant.
Coding change: c.5635G>C on transcript NM_000059.4 (MANE Select); coding-DNA position 5635, G replaced by C.
Protein change: p.Glu1879Gln; replaces glutamic acid 1879 with glutamine.
Molecular consequence: missense variant.
Genome position (GRCh38, 1-based): chr13:32,339,990, G>C. VCF-style: chr13-32339990-G-C. GRCh37 (hg19) VCF-style: chr13-32914127-G-C.
Other names: c.5635G>C, p.Glu1879Gln (NM_001406719.1, NM_001406720.1); short protein forms E1879Q.
Identifiers: ClinVar variation 1748775 (VCV001748775.6), dbSNP rs55996097, ClinGen allele CA387786132.
Genomic context (GRCh38, chr13:32,339,990, plus strand): 5'-ATTAAAAAAGTGAAAGACATATTTACAGACAGTTTCAGTAAAGTAATTAAGGAAAACAAC[G>C]AGAATAAATCAAAAATTTGCCAAACGAAAATTATGGCAGGTTGTTACGAGGCATTGGATG-3'
Protein context (NP_000050.3, residues 1869-1889): SFSKVIKENN[Glu1879Gln]NKSKICQTKI